The following is an entry in ClinVar:

NM_012418.4(FSCN2):c.396C>T (p.Thr132=)

Gene: FSCN2 (fascin actin-bundling protein 2, retinal; plus strand). Cytogenetic location: 17q25.3.
Variant type: single nucleotide variant.
Coding change: c.396C>T on transcript NM_012418.4 (MANE Select); coding-DNA position 396, C replaced by T.
Protein change: p.Thr132=; no amino-acid change (threonine 132 retained).
Molecular consequence: synonymous variant.
Genome position (GRCh38, 1-based): chr17:81,528,927, C>T. VCF-style: chr17-81528927-C-T. GRCh37 (hg19) VCF-style: chr17-79495953-C-T.
Other names: c.396C>T (NM_001077182.2); c.396C>T, p.Thr132= (NM_001077182.3).
Identifiers: ClinVar variation 1114636 (VCV001114636.11), dbSNP rs535269969, ClinGen allele CA8836667.
Genomic context (GRCh38, chr17:81,528,927, plus strand): 5'-AGGCACCGAGGACCAGCTGTCCTGCTTCGCCACAGCCGTTTCCCCGGCCGAGCTGTGGAC[C>T]GTGCACCTGGCCATCCACCCGCAGGCCCACCTGCTGAGCGTGAGCCGGCGGCGCTACGTG-3'
Protein context (NP_036550.1, residues 122-142): ATAVSPAELW[Thr132=]VHLAIHPQAH

ClinVar aggregate classification (germline): Likely benign. Review status: criteria provided, single submitter (1 of 4 stars). 2 submissions from 2 submitters: Likely benign (1). 1 of the submissions does not count toward it. Last evaluated 2024-03-11.

Conditions:
FSCN2-related disorder. Also called: FSCN2-related condition.

Allele frequency attached by ClinVar (database versions not stated): gnomAD 0.00001; TOPMed 0.00003.
gnomAD v4.1: 16 of 1,591,572 alleles (0.001%); highest among the groups gnomAD compares: African/African-American, 0.004%; no homozygotes.

Submissions (2):

Labcorp Genetics (formerly Invitae), Labcorp
Classification: Likely benign. Last evaluated: 2024-03-11. Review status: criteria provided, single submitter. Criteria: Invitae Variant Classification Sherloc (09022015). Collection method: clinical testing. Allele origin: germline.

PreventionGenetics, part of Exact Sciences
Classification: Likely benign for FSCN2-related condition. Last evaluated: 2019-05-28. Review status: no assertion criteria provided. Collection method: clinical testing. Allele origin: germline. Not counted in ClinVar's aggregate classification.
Comment: This variant is classified as likely benign based on ACMG/AMP sequence variant interpretation guidelines (Richards et al. 2015 PMID: 25741868, with internal and published modifications).